The following is an entry in ClinVar:

ClinVar aggregate classification (germline): Pathogenic (1 of 4 stars; one submission).

Conditions:
Juvenile nephropathic cystinosis. Also called: Intermediate Cystinosis; CYSTINOSIS, LATE-ONSET JUVENILE OR ADOLESCENT NEPHROPATHIC TYPE; Later-Onset (Juvenile) Cystinosis. Identifiers: Orphanet 213, Orphanet 411634, MedGen C0268626, MONDO:0009066, OMIM 219900.
Inborn genetic diseases. Identifiers: MedGen C0950123, MeSH D030342.
Ocular cystinosis. Also called: Non-Nephropathic Cystinosis; Non-Nephropathic (Ocular) Cystinosis. Identifiers: Orphanet 213, Orphanet 411641, MedGen C2931013, MONDO:0009064, OMIM 219750.

Submission:

Labcorp Genetics (formerly Invitae), Labcorp
Classification: Pathogenic for Inborn genetic diseases; Ocular cystinosis; Juvenile nephropathic cystinosis. Last evaluated: 2021-10-21. Review status: criteria provided, single submitter. Criteria: Invitae Variant Classification Sherloc (09022015). Collection method: clinical testing. Allele origin: germline.
Comment: This sequence change creates a premature translational stop signal (p.Ala285Profs*3) in the CTNS gene. It is expected to result in an absent or disrupted protein product. Loss-of-function variants in CTNS are known to be pathogenic (PMID: 9537412, 27102039). For these reasons, this variant has been classified as Pathogenic. Algorithms developed to predict the effect of sequence changes on RNA splicing suggest that this variant may disrupt the consensus splice site. This variant has not been reported in the literature in individuals affected with CTNS-related conditions. This variant is not present in population databases (ExAC no frequency).

Literature cited by the submitters: PubMed 9537412; PubMed 27102039.

NC_000017.11:g.3659858del

Gene: CTNS (cystinosin, lysosomal cystine transporter; plus strand). Cytogenetic location: 17p13.2.
Variant type: Deletion.
Genome position: GRCh38 VCF-style: chr17-3659856-AG-A. GRCh37 (hg19) VCF-style: chr17-3563150-AG-A.
Identifiers: ClinVar variation 1459518 (VCV001459518.8), dbSNP rs2142981161, ClinGen allele CA2573153071.